The following is an entry in ClinVar:

ClinVar aggregate classification (germline): Pathogenic. Review status: criteria provided, multiple submitters, no conflicts (2 of 4 stars). 5 submissions from 5 submitters: Pathogenic (5). Last evaluated 2025-12-20.

Conditions:
Hereditary nonpolyposis colorectal neoplasms. Identifiers: MedGen C0009405, MeSH D003123.
Lynch syndrome. Identifiers: Orphanet 144, MedGen C4552100, MONDO:0005835. Disease mechanism: loss of function.
Lynch syndrome 5 (LYNCH5). Also called: Colorectal cancer, hereditary nonpolyposis, type 5; Hereditary non-polyposis colorectal cancer, type 5. Identifiers: Orphanet 144, MedGen C1833477, MONDO:0013710, OMIM 614350. Disease mechanism: loss of function.
Hereditary cancer-predisposing syndrome. Also called: Neoplastic Syndromes, Hereditary; Tumor predisposition; Hereditary Cancer Syndrome; Hereditary neoplastic syndrome. Identifiers: Orphanet 140162, MedGen C0027672, MeSH D009386, MONDO:0015356.

Allele frequency attached by ClinVar (database versions not stated): gnomAD exomes below 0.00001.
gnomAD v4.1: 1 of 1,614,216 alleles (0.000062%); highest among the groups gnomAD compares: Non-Finnish European, 0.000085%; no homozygotes.

Submissions (5):

Labcorp Genetics (formerly Invitae), Labcorp
Classification: Pathogenic for Hereditary nonpolyposis colorectal neoplasms. Last evaluated: 2025-12-20. Review status: criteria provided, single submitter. Criteria: Invitae Variant Classification Sherloc (09022015). Collection method: clinical testing. Allele origin: germline.
Comment: This sequence change creates a premature translational stop signal (p.Leu740*) in the MSH6 gene. It is expected to result in an absent or disrupted protein product. Loss-of-function variants in MSH6 are known to be pathogenic (PMID: 18269114, 24362816). This variant is present in population databases (no rsID available, gnomAD 0.0009%). This premature translational stop signal has been observed in individual(s) with MSH6-related conditions (PMID: 21520333). ClinVar contains an entry for this variant (Variation ID: 820891). For these reasons, this variant has been classified as Pathogenic.

Myriad Genetics, Inc.
Classification: Pathogenic for Lynch syndrome 5. Last evaluated: 2023-08-16. Review status: criteria provided, single submitter. Criteria: Myriad Autosomal Dominant, Autosomal Recessive and X-Linked Classification Criteria (2023). Collection method: clinical testing. Allele origin: unknown.
Comment: This variant is considered pathogenic. This variant creates a termination codon and is predicted to result in premature protein truncation.

All of Us Research Program, National Institutes of Health
Classification: Pathogenic for Lynch syndrome. Last evaluated: 2023-07-19. Review status: criteria provided, single submitter. Criteria: ACMG Guidelines, 2015. Collection method: clinical testing. Allele origin: germline. Inheritance: Autosomal dominant inheritance. Observed: 1 variant allele, 1 heterozygote.
Comment: This variant changes 1 nucleotide in exon 4 of the MSH6 gene, creating a premature translation stop signal. This variant is expected to result in an absent or non-functional protein product. This variant has been reported in an individual affected with Lynch syndrome (PMID: 32635641). This variant has been identified in 1/250898 chromosomes in the general population by the Genome Aggregation Database (gnomAD). Loss of MSH6 function is a known mechanism of disease. Based on the available evidence, this variant is classified as Pathogenic.

This study involves interpretation of variants in research participants for the purpose of population health screening. Participant phenotype was not available at the time of variant classification. Additional details can be found in publication PMID: 35346344, PMCID: PMC8962531

Color Diagnostics, LLC DBA Color Health
Classification: Pathogenic for Hereditary cancer-predisposing syndrome. Last evaluated: 2023-04-27. Review status: criteria provided, single submitter. Criteria: ACMG Guidelines, 2015. Collection method: clinical testing. Allele origin: germline.
Comment: This variant changes 1 nucleotide in exon 4 of the MSH6 gene, creating a premature translation stop signal. This variant is expected to result in an absent or non-functional protein product. This variant has been reported in an individual affected with Lynch syndrome (PMID: 32635641). This variant has been identified in 1/250898 chromosomes in the general population by the Genome Aggregation Database (gnomAD). Loss of MSH6 function is a known mechanism of disease. Based on the available evidence, this variant is classified as Pathogenic.

Ambry Genetics
Classification: Pathogenic for Hereditary cancer-predisposing syndrome. Last evaluated: 2018-08-23. Review status: criteria provided, single submitter. Criteria: Ambry Variant Classification Scheme 2023. Collection method: clinical testing. Allele origin: germline.
Comment: The p.L740* pathogenic mutation (also known as c.2219T>G), located in coding exon 4 of the MSH6 gene, results from a T to G substitution at nucleotide position 2219. This changes the amino acid from a leucine to a stop codon within coding exon 4. This alteration is expected to result in loss of function by premature protein truncation or nonsense-mediated mRNA decay. As such, this alteration is interpreted as a disease-causing mutation.

Literature cited by the submitters: PubMed 18269114 (cited by Labcorp Genetics (formerly Invitae), Labcorp); PubMed 24362816 (cited by Labcorp Genetics (formerly Invitae), Labcorp); PubMed 21520333 (cited by Labcorp Genetics (formerly Invitae), Labcorp); PubMed 32635641 (cited by All of Us Research Program, National Institutes of Health and Color Diagnostics, LLC DBA Color Health).

NM_000179.3(MSH6):c.2219T>G (p.Leu740Ter)

Gene: MSH6 (mutS homolog 6; plus strand). Cytogenetic location: 2p16.3.
Variant type: single nucleotide variant.
Coding change: c.2219T>G on transcript NM_000179.3 (MANE Select); coding-DNA position 2219, T replaced by G.
Protein change: p.Leu740Ter; replaces leucine 740 with a stop codon.
Molecular consequence: nonsense.
Genome position (GRCh38, 1-based): chr2:47,800,202, T>G. VCF-style: chr2-47800202-T-G. GRCh37 (hg19) VCF-style: chr2-48027341-T-G.
Other names: c.1829T>G, p.Leu610Ter (NM_001281492.2); c.1313T>G, p.Leu438Ter (NM_001281493.2, NM_001281494.2); short protein forms L740*, L438*, L610*.
Identifiers: ClinVar variation 820891 (VCV000820891.18), dbSNP rs745483465, ClinGen allele CA346752427.